The following is an entry in ClinVar:

ClinVar aggregate classification (germline): Uncertain significance (1 of 4 stars; one submission).

Conditions:
Hereditary cancer-predisposing syndrome. Also called: Neoplastic Syndromes, Hereditary; Tumor predisposition; Hereditary Cancer Syndrome; Hereditary neoplastic syndrome. Identifiers: Orphanet 140162, MedGen C0027672, MeSH D009386, MONDO:0015356.

Submission:

Ambry Genetics
Classification: Uncertain significance for Hereditary cancer-predisposing syndrome. Last evaluated: 2025-08-07. Review status: criteria provided, single submitter. Criteria: Ambry Variant Classification Scheme 2023. Collection method: clinical testing. Allele origin: germline.
Comment: The p.A134V variant (also known as c.401C>T), located in coding exon 5 of the BRCA1 gene, results from a C to T substitution at nucleotide position 401. The alanine at codon 134 is replaced by valine, an amino acid with similar properties. This amino acid position is not well conserved in available vertebrate species. In addition, the in silico prediction for this alteration is inconclusive. Based on the available evidence, the clinical significance of this variant remains unclear.

NM_007294.4(BRCA1):c.401C>T (p.Ala134Val)

Gene: BRCA1 (BRCA1 DNA repair associated; minus strand). Cytogenetic location: 17q21.31.
Variant type: single nucleotide variant.
Coding change: c.401C>T on transcript NM_007294.4 (MANE Select); coding-DNA position 401, C replaced by T.
Protein change: p.Ala134Val; replaces alanine 134 with valine.
Molecular consequence: missense variant. On other transcripts: intron variant (2).
Genome position (GRCh38, 1-based): chr17:43,104,162, G>A on the plus strand (C>T on the coding strand, the complement: BRCA1 is on the minus strand). VCF-style: chr17-43104162-G-A. GRCh37 (hg19) VCF-style: chr17-41256179-G-A.
Other names: c.260C>T, p.Ala87Val (NM_001408456.1, NM_001407733.1, NM_001407734.1 and 99 more transcripts); c.401C>T, p.Ala134Val (NM_001407992.1, NM_001407993.1, NM_001408392.1 and 164 more transcripts); c.392C>T, p.Ala131Val (NM_001407646.1, NM_001407647.1, NM_001408408.1); c.323C>T, p.Ala108Val (NM_001407653.1, NM_001407654.1, NM_001407655.1 and 21 more transcripts); c.191C>T, p.Ala64Val (NM_001407879.1, NM_001407881.1, NM_001407946.1 and 58 more transcripts); c.269C>T, p.Ala90Val (NM_001408451.1); c.20C>T, p.Ala7Val (NM_001408510.1, NM_001408512.1, NM_001407959.1 and 4 more transcripts); c.-218-9302C>T (NM_001407967.1, NM_001407966.1); short protein forms A131V, A7V, A90V, A108V, A64V, A134V, A87V.
Identifiers: ClinVar variation 4215057 (VCV004215057.1).